The following is an entry in ClinVar:

NM_014244.5(ADAMTS2):c.3088C>T (p.Arg1030Ter)

Gene: ADAMTS2 (ADAM metallopeptidase with thrombospondin type 1 motif 2; minus strand). Cytogenetic location: 5q35.3.
Variant type: single nucleotide variant.
Coding change: c.3088C>T on transcript NM_014244.5 (MANE Select); coding-DNA position 3088, C replaced by T.
Protein change: p.Arg1030Ter; replaces arginine 1030 with a stop codon.
Molecular consequence: nonsense.
Genome position (GRCh38, 1-based): chr5:179,122,644, G>A on the plus strand (C>T on the coding strand, the complement: ADAMTS2 is on the minus strand). VCF-style: chr5-179122644-G-A. GRCh37 (hg19) VCF-style: chr5-178549645-G-A.
Other names: short protein forms R1030*.
Identifiers: ClinVar variation 581454 (VCV000581454.8), dbSNP rs966437723, ClinGen allele CA133025788.

ClinVar aggregate classification (germline): Pathogenic/Likely pathogenic. Review status: criteria provided, multiple submitters, no conflicts (2 of 4 stars). 2 submissions from 2 submitters: Pathogenic (1); Likely pathogenic (1). Last evaluated 2025-06-22.

Conditions:
Ehlers-Danlos syndrome, dermatosparaxis type. Also called: Dermatosparaxis; Ehlers-Danlos syndrome, type VII, autosomal recessive; EDS VIIC. Identifiers: Orphanet 1901, MedGen C2700425, MONDO:0009161, OMIM 225410.

Allele frequency attached by ClinVar (database versions not stated): TOPMed below 0.00001.
gnomAD v4.1: 2 of 1,550,650 alleles (0.00013%); highest among the groups gnomAD compares: Non-Finnish European, 0.000087%; no homozygotes.

Submissions (2):

Labcorp Genetics (formerly Invitae), Labcorp
Classification: Pathogenic for Ehlers-Danlos syndrome, dermatosparaxis type. Last evaluated: 2025-06-22. Review status: criteria provided, single submitter. Criteria: Invitae Variant Classification Sherloc (09022015). Collection method: clinical testing. Allele origin: germline.
Comment: This sequence change creates a premature translational stop signal (p.Arg1030*) in the ADAMTS2 gene. It is expected to result in an absent or disrupted protein product. Loss-of-function variants in ADAMTS2 are known to be pathogenic (PMID: 10417273). This variant is not present in population databases (gnomAD no frequency). This variant has not been reported in the literature in individuals affected with ADAMTS2-related conditions. ClinVar contains an entry for this variant (Variation ID: 581454). For these reasons, this variant has been classified as Pathogenic.

Natera, Inc.
Classification: Likely pathogenic for Ehlers-Danlos syndrome type VIIC. Last evaluated: 2024-04-03. Review status: criteria provided, single submitter. Criteria: Natera Variant Classification Schema (03/2026). Collection method: clinical testing. Allele origin: germline.
Comment: The c.3088C>T variant in ADAMTS2 is a nonsense variant predicted to introduce a stop codon at amino acid 1030. This variant is expected to result in nonsense mediated decay, truncation, or a dysfunctional protein product. This variant is rare in the general population with a frequency below the threshold expected for the associated phenotype(s). Given the available evidence, this variant is classified as Likely Pathogenic.

Literature cited by the submitters: PubMed 10417273 (cited by Labcorp Genetics (formerly Invitae), Labcorp).